The following is an entry in ClinVar:

ClinVar aggregate classification (germline): Uncertain significance. Review status: criteria provided, multiple submitters, no conflicts (2 of 4 stars). 2 submissions from 2 submitters: Uncertain significance (2). Last evaluated 2025-05-19.

Allele frequency attached by ClinVar (database versions not stated): TOPMed below 0.00001.

Submissions (2):

Ambry Genetics
Classification: Uncertain significance. Last evaluated: 2025-05-19. Review status: criteria provided, single submitter. Criteria: Ambry Variant Classification Scheme 2023. Collection method: clinical testing. Allele origin: germline.

Labcorp Genetics (formerly Invitae), Labcorp
Classification: Uncertain significance. Last evaluated: 2022-04-18. Review status: criteria provided, single submitter. Criteria: Invitae Variant Classification Sherloc (09022015). Collection method: clinical testing. Allele origin: germline.
Comment: Algorithms developed to predict the effect of missense changes on protein structure and function (SIFT, PolyPhen-2, Align-GVGD) all suggest that this variant is likely to be tolerated. This variant has not been reported in the literature in individuals affected with CCDC88A-related conditions. This variant is not present in population databases (gnomAD no frequency). This sequence change replaces alanine, which is neutral and non-polar, with threonine, which is neutral and polar, at codon 194 of the CCDC88A protein (p.Ala194Thr). In summary, the available evidence is currently insufficient to determine the role of this variant in disease. Therefore, it has been classified as a Variant of Uncertain Significance.

NM_001365480.1(CCDC88A):c.580G>A (p.Ala194Thr)

Gene: CCDC88A (coiled-coil and HOOK domain protein 88A; minus strand). Cytogenetic location: 2p16.1.
Variant type: single nucleotide variant.
Coding change: c.580G>A on transcript NM_001365480.1 (MANE Select); coding-DNA position 580, G replaced by A.
Protein change: p.Ala194Thr; replaces alanine 194 with threonine.
Molecular consequence: missense variant.
Genome position (GRCh38, 1-based): chr2:55,362,355, C>T on the plus strand (G>A on the coding strand, the complement: CCDC88A is on the minus strand). VCF-style: chr2-55362355-C-T. GRCh37 (hg19) VCF-style: chr2-55589491-C-T.
Other names: c.580G>A (NM_001135597.1); c.580G>A, p.Ala194Thr (NM_001135597.2, NM_001254943.2, NM_018084.5); short protein forms A194T.
Identifiers: ClinVar variation 1954755 (VCV001954755.6), dbSNP rs1574285631, ClinGen allele CA346910301.